The following is an entry in ClinVar:

ClinVar aggregate classification (germline): Likely benign (0 of 4 stars; one submission).

Conditions:
OSBP-related disorder. Also called: OSBP-related condition.

Allele frequency attached by ClinVar (database versions not stated): ExAC 0.00083; TOPMed 0.00085; ESP Exome Variant Server 0.00092; gnomAD 0.00093; 1000 Genomes Project 0.00100; 1000 Genomes Project 30x 0.00172; gnomAD exomes 0.00179.
gnomAD v4.1: 2,725 of 1,614,110 alleles (0.17%); highest among the groups gnomAD compares: Non-Finnish European, 0.21%; 7 homozygotes.

Submission:

PreventionGenetics, part of Exact Sciences
Classification: Likely benign for OSBP-related condition. Last evaluated: 2019-02-22. Review status: no assertion criteria provided. Collection method: clinical testing. Allele origin: germline.
Comment: This variant is classified as likely benign based on ACMG/AMP sequence variant interpretation guidelines (Richards et al. 2015 PMID: 25741868, with internal and published modifications).

NM_002556.3(OSBP):c.936G>A (p.Ala312=)

Gene: OSBP (oxysterol binding protein; minus strand). Cytogenetic location: 11q12.1.
Variant type: single nucleotide variant.
Coding change: c.936G>A on transcript NM_002556.3 (MANE Select); coding-DNA position 936, G replaced by A.
Protein change: p.Ala312=; no amino-acid change (alanine 312 retained).
Molecular consequence: synonymous variant.
Genome position (GRCh38, 1-based): chr11:59,601,725, C>T on the plus strand (G>A on the coding strand, the complement: OSBP is on the minus strand). VCF-style: chr11-59601725-C-T. GRCh37 (hg19) VCF-style: chr11-59369198-C-T.
Identifiers: ClinVar variation 3042371 (VCV003042371.2), dbSNP rs117772602, ClinGen allele CA6019723.